The following is an entry in ClinVar:

ClinVar aggregate classification (germline): Benign/Likely benign. Review status: criteria provided, multiple submitters, no conflicts (2 of 4 stars). 4 submissions from 4 submitters: Benign (3); Likely benign (1). Last evaluated 2026-01-28.

Conditions:
Donnai-Barrow syndrome. Also called: DBS/FOAR SYNDROME; FACIOOCULOACOUSTICORENAL SYNDROME. Identifiers: Orphanet 2143, MedGen C1857277, MONDO:0009104, OMIM 222448.

Allele frequency attached by ClinVar (database versions not stated): ExAC 0.00124; ESP Exome Variant Server 0.00361; 1000 Genomes Project 0.00379; TOPMed 0.00394; 1000 Genomes Project 30x 0.00437; gnomAD exomes 0.00035 and 0.00094.
gnomAD v4.1: 1,081 of 1,613,776 alleles (0.067%); highest among the groups gnomAD compares: African/African-American, 1.2%; 8 homozygotes.

Submissions (4):

Labcorp Genetics (formerly Invitae), Labcorp
Classification: Benign. Last evaluated: 2026-01-28. Review status: criteria provided, single submitter. Criteria: Invitae Variant Classification Sherloc (09022015). Collection method: clinical testing. Allele origin: germline.

Blueprint Genetics
Classification: Likely benign. Last evaluated: 2024-09-04. Review status: criteria provided, single submitter. Criteria: ACMG Guidelines, 2015. Collection method: clinical testing. Allele origin: germline.

Genome-Nilou Lab
Classification: Benign for Donnai-Barrow syndrome. Last evaluated: 2021-07-15. Review status: criteria provided, single submitter. Criteria: ACMG Guidelines, 2015. Collection method: clinical testing. Allele origin: germline. Affected: no.

Illumina Laboratory Services, Illumina
Classification: Benign for Donnai-Barrow syndrome. Last evaluated: 2018-01-13. Review status: criteria provided, single submitter. Criteria: ICSL Variant Classification Criteria 13 December 2019. Collection method: clinical testing. Allele origin: germline.
Comment: This variant was observed in the ICSL laboratory as part of a predisposition screen in an ostensibly healthy population. It had not been previously curated by ICSL or reported in the Human Gene Mutation Database (HGMD: prior to June 1st, 2018), and was therefore a candidate for classification through an automated scoring system. Utilizing variant allele frequency, disease prevalence and penetrance estimates, and inheritance mode, an automated score was calculated to assess if this variant is too frequent to cause the disease. Based on the score and internal cut-off values, a variant classified as benign is not then subjected to further curation. The score for this variant resulted in a classification of benign for this disease.

NM_004525.3(LRP2):c.12462-13C>T

Gene: LRP2 (LDL receptor related protein 2; minus strand). Cytogenetic location: 2q31.1.
Variant type: single nucleotide variant.
Coding change: c.12462-13C>T on transcript NM_004525.3 (MANE Select); 13 bases into the intron before coding-DNA position 12462, C replaced by T.
Molecular consequence: intron variant.
Genome position (GRCh38, 1-based): chr2:169,151,039, G>A on the plus strand (C>T on the coding strand, the complement: LRP2 is on the minus strand). VCF-style: chr2-169151039-G-A. GRCh37 (hg19) VCF-style: chr2-170007549-G-A.
Identifiers: ClinVar variation 332082 (VCV000332082.16), dbSNP rs139211353, ClinGen allele CA1952793.